The following is an entry in ClinVar:

ClinVar aggregate classification (germline): Conflicting classifications of pathogenicity. Review status: criteria provided, conflicting classifications (1 of 4 stars). 2 submissions from 2 submitters: Uncertain significance (1); Likely benign (1). Last evaluated 2025-05-16.

Conditions:
Hereditary cancer-predisposing syndrome. Also called: Neoplastic Syndromes, Hereditary; Tumor predisposition; Hereditary neoplastic syndrome; Hereditary Cancer Syndrome. Identifiers: Orphanet 140162, MedGen C0027672, MeSH D009386, MONDO:0015356.
Hereditary breast ovarian cancer syndrome. Also called: Hereditary breast and ovarian cancer syndrome; Hereditary breast and ovarian cancer; BRCA1- and BRCA2-Associated Hereditary Breast and Ovarian Cancer; Hereditary breast and/or ovarian cancer syndrome; Hereditary breast and ovarian cancer syndrome (HBOC); Breast and ovarian cancer. Identifiers: Orphanet 145, MedGen C0677776, MeSH D061325, MONDO:0003582. Disease mechanism: loss of function.

Submissions (2):

Ambry Genetics
Classification: Likely benign for Hereditary cancer-predisposing syndrome. Last evaluated: 2025-05-16. Review status: criteria provided, single submitter. Criteria: Ambry Variant Classification Scheme 2023. Collection method: clinical testing. Allele origin: germline.

Labcorp Genetics (formerly Invitae), Labcorp
Classification: Uncertain significance for Hereditary breast ovarian cancer syndrome. Last evaluated: 2021-10-25. Review status: criteria provided, single submitter. Criteria: Invitae Variant Classification Sherloc (09022015). Collection method: clinical testing. Allele origin: germline.
Comment: In summary, the available evidence is currently insufficient to determine the role of this variant in disease. Therefore, it has been classified as a Variant of Uncertain Significance. Advanced modeling of protein sequence and biophysical properties (such as structural, functional, and spatial information, amino acid conservation, physicochemical variation, residue mobility, and thermodynamic stability) performed at Invitae indicates that this missense variant is not expected to disrupt BRCA2 protein function. This variant has not been reported in the literature in individuals affected with BRCA2-related conditions. This variant is not present in population databases (gnomAD no frequency). This sequence change replaces lysine, which is basic and polar, with isoleucine, which is neutral and non-polar, at codon 3015 of the BRCA2 protein (p.Lys3015Ile).

NM_000059.4(BRCA2):c.9044A>T (p.Lys3015Ile)

Gene: BRCA2 (BRCA2 DNA repair associated; plus strand). Cytogenetic location: 13q13.1.
Variant type: single nucleotide variant.
Coding change: c.9044A>T on transcript NM_000059.4 (MANE Select); coding-DNA position 9044, A replaced by T.
Protein change: p.Lys3015Ile; replaces lysine 3015 with isoleucine.
Molecular consequence: missense variant.
Genome position (GRCh38, 1-based): chr13:32,379,840, A>T. VCF-style: chr13-32379840-A-T. GRCh37 (hg19) VCF-style: chr13-32953977-A-T.
Other names: short protein forms K3015I.
Identifiers: ClinVar variation 1389433 (VCV001389433.9), dbSNP rs2137623016, ClinGen allele CA387757527.
Genomic context (GRCh38, chr13:32,379,840, plus strand): 5'-ATTTATATTCTCTGTTAACAGAAGGAAAGAGATACAGAATTTATCATCTTGCAACTTCAA[A>T]ATCTAAAAGTAAATCTGAAAGAGCTAACATACAGTTAGCAGCGACAAAAAAAACTCAGTA-3'
Protein context (NP_000050.3, residues 3005-3025): RYRIYHLATS[Lys3015Ile]SKSKSERANI